The following is an entry in ClinVar:

ClinVar aggregate classification (germline): Uncertain significance (1 of 4 stars; one submission).

Conditions:
Inborn genetic diseases. Identifiers: MedGen C0950123, MeSH D030342.

gnomAD v4.1: 1 of 1,577,790 alleles (0.000063%); no homozygotes.

Submission:

Ambry Genetics
Classification: Uncertain significance for Inborn genetic diseases. Last evaluated: 2025-02-24. Review status: criteria provided, single submitter. Criteria: Ambry Variant Classification Scheme 2023. Collection method: clinical testing. Allele origin: germline.
Comment: The p.K15E variant (also known as c.43A>G), located in coding exon 1 of the ERCC6L2 gene, results from an A to G substitution at nucleotide position 43. The lysine at codon 15 is replaced by glutamic acid, an amino acid with similar properties. This amino acid position is conserved. In addition, the in silico prediction for this alteration is inconclusive. Based on the available evidence, the clinical significance of this variant remains unclear.

NM_020207.7(ERCC6L2):c.43A>G (p.Lys15Glu)

Gene: ERCC6L2 (ERCC excision repair 6 like 2; plus strand). Cytogenetic location: 9q22.32.
Variant type: single nucleotide variant.
Coding change: c.43A>G on transcript NM_020207.7 (MANE Select); coding-DNA position 43, A replaced by G.
Protein change: p.Lys15Glu; replaces lysine 15 with glutamic acid.
Molecular consequence: missense variant. On other transcripts: non-coding transcript variant (1).
Genome position (GRCh38, 1-based): chr9:95,876,081, A>G. VCF-style: chr9-95876081-A-G. GRCh37 (hg19) VCF-style: chr9-98638363-A-G.
Other names: c.43A>G, p.Lys15Glu (NM_001010895.4, NM_001375291.1, NM_001375292.1 and 2 more transcripts); short protein forms K15E.
Identifiers: ClinVar variation 3845961 (VCV003845961.1).
Genomic context (GRCh38, chr9:95,876,081, plus strand): 5'-GCCCCTCCCCCTGGCCGGATGGATCCGTCGGCGCCACAGCCCCGCGCGGAAACCTCAGGC[A>G]AAGGTACCAGCTCCGCGCTCGCCCCTTACGCAGAGGCCTGTGTACTGCGTCGCGTTGGAC-3'
Protein context (NP_064592.3, residues 5-25): APQPRAETSG[Lys15Glu]DIWHPGERCL